The following is an entry in ClinVar:

NM_020884.7(MYH7B):c.2467T>C (p.Trp823Arg)

Gene: MYH7B (myosin heavy chain 7B; plus strand). Cytogenetic location: 20q11.22.
Variant type: single nucleotide variant.
Coding change: c.2467T>C on transcript NM_020884.7 (MANE Select); coding-DNA position 2467, T replaced by C.
Protein change: p.Trp823Arg; replaces tryptophan 823 with arginine.
Molecular consequence: missense variant.
Genome position (GRCh38, 1-based): chr20:34,994,168, T>C. VCF-style: chr20-34994168-T-C. GRCh37 (hg19) VCF-style: chr20-33581971-T-C.
Other names: c.2593T>C (NM_020884.4); short protein forms W823R.
Identifiers: ClinVar variation 450401 (VCV000450401.10), dbSNP rs182236729, ClinGen allele CA9827392.

ClinVar aggregate classification (germline): Uncertain significance. Review status: criteria provided, multiple submitters, no conflicts (2 of 4 stars). 3 submissions from 3 submitters: Uncertain significance (2). 1 of the submissions does not count toward it. Last evaluated 2025-12-26.

Conditions:
MYH7B-related disorder. Also called: MYH7B-related condition.

Allele frequency attached by ClinVar (database versions not stated): 1000 Genomes Project 0.00040; ExAC 0.00089; 1000 Genomes Project 30x 0.00094; gnomAD exomes 0.00100 and 0.00154; ESP Exome Variant Server 0.00141; TOPMed 0.00152; gnomAD 0.00163 and 0.00170.
gnomAD v4.1: 2,459 of 1,613,356 alleles (0.15%); highest among the groups gnomAD compares: Admixed American, 0.22%; 1 homozygote.

Submissions (3):

Labcorp Genetics (formerly Invitae), Labcorp
Classification: Uncertain significance. Last evaluated: 2025-12-26. Review status: criteria provided, single submitter. Criteria: Invitae Variant Classification Sherloc (09022015). Collection method: clinical testing. Allele origin: germline.
Comment: This sequence change replaces tryptophan, which is neutral and slightly polar, with arginine, which is basic and polar, at codon 865 of the MYH7B protein (p.Trp865Arg). This variant is present in population databases (rs182236729, gnomAD 0.2%), and has an allele count higher than expected for a pathogenic variant. This variant has not been reported in the literature in individuals affected with MYH7B-related conditions. ClinVar contains an entry for this variant (Variation ID: 450401). Invitae Evidence Modeling of protein sequence and biophysical properties (such as structural, functional, and spatial information, amino acid conservation, physicochemical variation, residue mobility, and thermodynamic stability) indicates that this missense variant is not expected to disrupt MYH7B protein function with a negative predictive value of 80%. In summary, the available evidence is currently insufficient to determine the role of this variant in disease. Therefore, it has been classified as a Variant of Uncertain Significance.

GeneDx
Classification: Uncertain significance. Last evaluated: 2025-10-09. Review status: criteria provided, single submitter. Criteria: GeneDx Variant Classification Process June 2021. Collection method: clinical testing. Allele origin: germline. Affected: yes.
Comment: In silico analysis supports that this missense variant has a deleterious effect on protein structure/function; Has not been previously published as pathogenic or benign to our knowledge; Variants in candidate genes are classified as variants of uncertain significance in accordance with ACMG guidelines (PMID: 25741868)

PreventionGenetics, part of Exact Sciences
Classification: Likely benign for MYH7B-related condition. Last evaluated: 2024-09-06. Review status: no assertion criteria provided. Collection method: clinical testing. Allele origin: germline. Not counted in ClinVar's aggregate classification.
Comment: This variant is classified as likely benign based on ACMG/AMP sequence variant interpretation guidelines (Richards et al. 2015 PMID: 25741868, with internal and published modifications).